The following is an entry in ClinVar:

NM_001355436.2(SPTB):c.3184C>T (p.Gln1062Ter)

Gene: SPTB (spectrin beta, erythrocytic; minus strand). Cytogenetic location: 14q23.3.
Variant type: single nucleotide variant.
Coding change: c.3184C>T on transcript NM_001355436.2 (MANE Select); coding-DNA position 3184, C replaced by T.
Protein change: p.Gln1062Ter; replaces glutamine 1062 with a stop codon.
Molecular consequence: nonsense.
Genome position (GRCh38, 1-based): chr14:64,786,781, G>A on the plus strand (C>T on the coding strand, the complement: SPTB is on the minus strand). VCF-style: chr14-64786781-G-A. GRCh37 (hg19) VCF-style: chr14-65253499-G-A.
Other names: c.3184C>T, p.Gln1062Ter (NM_001024858.4, NM_001355437.2); short protein forms Q1062*.
Identifiers: ClinVar variation 3654440 (VCV003654440.3).

ClinVar aggregate classification (germline): Pathogenic/Likely pathogenic. Review status: criteria provided, multiple submitters, no conflicts (2 of 4 stars). 2 submissions from 2 submitters: Pathogenic (1); Likely pathogenic (1). Last evaluated 2025-07-21.

Conditions:
SPTB-related disorder. Also called: SPTB-Related Disorders; SPTB-related condition.

Submissions (2):

Labcorp Genetics (formerly Invitae), Labcorp
Classification: Pathogenic. Last evaluated: 2025-07-21. Review status: criteria provided, single submitter. Criteria: Invitae Variant Classification Sherloc (09022015). Collection method: clinical testing. Allele origin: germline.
Comment: This sequence change creates a premature translational stop signal (p.Gln1062*) in the SPTB gene. It is expected to result in an absent or disrupted protein product. Loss-of-function variants in SPTB are known to be pathogenic (PMID: 1391962, 1498324, 8844207, 26830532, 27292444). This variant is not present in population databases (gnomAD no frequency). This variant has not been reported in the literature in individuals affected with SPTB-related conditions. ClinVar contains an entry for this variant (Variation ID: 3654440). For these reasons, this variant has been classified as Pathogenic.

Blueprint Genetics
Classification: Likely pathogenic for SPTB-related disorders. Last evaluated: 2022-11-25. Review status: criteria provided, single submitter. Criteria: ACMG Guidelines, 2015. Collection method: clinical testing. Allele origin: germline. Affected: yes. Observed: 1 variant allele.

Literature cited by the submitters: PubMed 1391962 (cited by Labcorp Genetics (formerly Invitae), Labcorp); PubMed 1498324 (cited by Labcorp Genetics (formerly Invitae), Labcorp); PubMed 8844207 (cited by Labcorp Genetics (formerly Invitae), Labcorp); PubMed 26830532 (cited by Labcorp Genetics (formerly Invitae), Labcorp); PubMed 27292444 (cited by Labcorp Genetics (formerly Invitae), Labcorp).